The following is an entry in ClinVar:

ClinVar aggregate classification (germline): Uncertain significance (1 of 4 stars; one submission).

Submission:

CeGaT Center for Human Genetics Tuebingen
Classification: Uncertain significance. Last evaluated: 2025-11-01. Review status: criteria provided, single submitter. Criteria: CeGaT Center For Human Genetics Tuebingen Variant Classification Criteria Version 2. Collection method: clinical testing. Allele origin: germline. Affected: yes. Observed: 1 variant allele.
Comment: AKAP9: PM2, BP4

NM_005751.5(AKAP9):c.8294G>A (p.Cys2765Tyr)

Gene: AKAP9 (A-kinase anchoring protein 9; plus strand). Cytogenetic location: 7q21.2.
Variant type: single nucleotide variant.
Coding change: c.8294G>A on transcript NM_005751.5 (MANE Select); coding-DNA position 8294, G replaced by A.
Protein change: p.Cys2765Tyr; replaces cysteine 2765 with tyrosine.
Molecular consequence: missense variant.
Genome position (GRCh38, 1-based): chr7:92,083,303, G>A. VCF-style: chr7-92083303-G-A. GRCh37 (hg19) VCF-style: chr7-91712617-G-A.
Other names: c.2939G>A, p.Cys980Tyr (NM_001379277.1); c.8270G>A, p.Cys2757Tyr (NM_147185.3); short protein forms C2757Y, C2765Y, C980Y.
Identifiers: ClinVar variation 4534585 (VCV004534585.6).